The following is an entry in ClinVar:

NM_000038.6(APC):c.4239G>A (p.Met1413Ile)

Gene: APC (APC regulator of Wnt signaling pathway; plus strand). Cytogenetic location: 5q22.2.
Variant type: single nucleotide variant.
Coding change: c.4239G>A on transcript NM_000038.6 (MANE Select); coding-DNA position 4239, G replaced by A.
Protein change: p.Met1413Ile; replaces methionine 1413 with isoleucine.
Molecular consequence: missense variant.
Genome position (GRCh38, 1-based): chr5:112,839,833, G>A. VCF-style: chr5-112839833-G-A. GRCh37 (hg19) VCF-style: chr5-112175530-G-A.
Other names: c.4239G>A, p.Met1413Ile (NM_001127510.3, NM_001354895.2); c.4185G>A, p.Met1395Ile (NM_001127511.3); c.4293G>A, p.Met1431Ile (NM_001354896.2); c.4269G>A, p.Met1423Ile (NM_001354897.2); c.4164G>A, p.Met1388Ile (NM_001354898.2); c.4155G>A, p.Met1385Ile (NM_001354899.2); c.4116G>A, p.Met1372Ile (NM_001354900.2); c.4062G>A, p.Met1354Ile (NM_001354901.2); and 5 more; short protein forms M1130I, M1253I, M1287I, M1312I, M1322I, M1354I, M1372I, M1385I.
Identifiers: ClinVar variation 1331845 (VCV001331845.11), dbSNP rs1765631944, ClinGen allele CA16030619.
Genomic context (GRCh38, chr5:112,839,833, plus strand): 5'-TGATAGTTTTGAGAGTCGTTCGATTGCCAGCTCCGTTCAGAGTGAACCATGCAGTGGAAT[G>A]GTAAGTGGCATTATAAGCCCCAGTGATCTTCCAGATAGCCCTGGACAAACCATGCCACCA-3'
Protein context (NP_000029.2, residues 1403-1423): SSVQSEPCSG[Met1413Ile]VSGIISPSDL

ClinVar aggregate classification (germline): Uncertain significance. Review status: criteria provided, multiple submitters, no conflicts (2 of 4 stars). 3 submissions from 3 submitters: Uncertain significance (3). Last evaluated 2026-06-30.

Conditions:
Hereditary cancer-predisposing syndrome. Also called: Hereditary Cancer Syndrome; Neoplastic Syndromes, Hereditary; Hereditary neoplastic syndrome; Tumor predisposition. Identifiers: Orphanet 140162, MedGen C0027672, MeSH D009386, MONDO:0015356.
Familial adenomatous polyposis 1 (FAP1). Also called: FAMILIAL ADENOMATOUS POLYPOSIS 1, ATTENUATED; POLYPOSIS, ADENOMATOUS INTESTINAL. Identifiers: MedGen C2713442, MONDO:0021056, OMIM 175100. Disease mechanism: loss of function.

Submissions (3):

Ambry Genetics
Classification: Uncertain significance for Hereditary cancer-predisposing syndrome. Last evaluated: 2026-06-30. Review status: criteria provided, single submitter. Criteria: Ambry Variant Classification Scheme 2023. Collection method: clinical testing. Allele origin: germline.
Comment: The p.M1413I variant (also known as c.4239G>A), located in coding exon 15 of the APC gene, results from a G to A substitution at nucleotide position 4239. The methionine at codon 1413 is replaced by isoleucine, an amino acid with highly similar properties. This amino acid position is highly conserved in available vertebrate species. In addition, in silico predictors for this gene do not accurately predict pathogenicity. Based on the available evidence, the clinical significance of this variant remains unclear.

Labcorp Genetics (formerly Invitae), Labcorp
Classification: Uncertain significance for Familial adenomatous polyposis 1. Last evaluated: 2023-11-25. Review status: criteria provided, single submitter. Criteria: Invitae Variant Classification Sherloc (09022015). Collection method: clinical testing. Allele origin: germline.
Comment: This sequence change replaces methionine, which is neutral and non-polar, with isoleucine, which is neutral and non-polar, at codon 1413 of the APC protein (p.Met1413Ile). This variant is not present in population databases (gnomAD no frequency). This variant has not been reported in the literature in individuals affected with APC-related conditions. ClinVar contains an entry for this variant (Variation ID: 1331845). Advanced modeling of protein sequence and biophysical properties (such as structural, functional, and spatial information, amino acid conservation, physicochemical variation, residue mobility, and thermodynamic stability) performed at Invitae indicates that this missense variant is not expected to disrupt APC protein function with a negative predictive value of 95%. In summary, the available evidence is currently insufficient to determine the role of this variant in disease. Therefore, it has been classified as a Variant of Uncertain Significance.

Color Diagnostics, LLC DBA Color Health
Classification: Uncertain significance for Hereditary cancer-predisposing syndrome. Last evaluated: 2021-02-11. Review status: criteria provided, single submitter. Criteria: ACMG Guidelines, 2015. Collection method: clinical testing. Allele origin: germline.
Comment: This missense variant replaces methionine with isoleucine at codon 1413 of the APC protein. Computational prediction suggests that this variant may not impact protein structure and function (internally defined REVEL score threshold <= 0.5, PMID: 27666373). To our knowledge, functional studies have not been reported for this variant. This variant has not been reported in individuals affected with hereditary cancer in the literature. This variant has not been identified in the general population by the Genome Aggregation Database (gnomAD). The available evidence is insufficient to determine the role of this variant in disease conclusively. Therefore, this variant is classified as a Variant of Uncertain Significance.